The following is an entry in ClinVar:

ClinVar aggregate classification (germline): Likely pathogenic. Review status: criteria provided, multiple submitters, no conflicts (2 of 4 stars). 2 submissions from 2 submitters: Likely pathogenic (2). Last evaluated 2026-01-15.

Conditions:
Dilated cardiomyopathy 1G (CMD1G). Identifiers: Orphanet 154, MedGen C1858763, MONDO:0011400, OMIM 604145.
Autosomal recessive limb-girdle muscular dystrophy type 2J (LGMDR10). Also called: Limb-girdle muscular dystrophy, type 2J; MUSCULAR DYSTROPHY, LIMB-GIRDLE, AUTOSOMAL RECESSIVE 10. Identifiers: Orphanet 140922, MedGen C1837342, MONDO:0012127, OMIM 608807.

Submissions (2):

Variantyx, Inc.
Classification: Likely pathogenic for Dilated cardiomyopathy 1G. Last evaluated: 2026-01-15. Review status: criteria provided, single submitter. Criteria: Variantyx Assertion Criteria 2022. Collection method: clinical testing. Allele origin: germline. Inheritance: Autosomal dominant inheritance. Affected: yes.
Comment: This is a nonsense variant in the TTN gene (OMIM: 188840). Pathogenic variants in this gene have been associated with autosomal dominant dilated cardiomyopathy 1G. This variant introduces a premature termination codon in exon 312 out of 363, which is located within the A-band of the TTN gene. Truncating variants in the A-band region of this gene are significantly overrepresented in individuals affected with dilated cardiomyopathy (PMID: 25589632) (PVS1). This variant is absent from control populations (PM2), and it has not been reported in individuals with TTN-related disorders in the databases available for review. Based on the current evidence, this variant is classified as likely pathogenic for autosomal dominant dilated cardiomyopathy 1G.

Labcorp Genetics (formerly Invitae), Labcorp
Classification: Likely pathogenic for Dilated cardiomyopathy 1G; Autosomal recessive limb-girdle muscular dystrophy type 2J. Last evaluated: 2025-12-25. Review status: criteria provided, single submitter. Criteria: Invitae Variant Classification Sherloc (09022015). Collection method: clinical testing. Allele origin: germline.
Comment: This sequence change creates a premature translational stop signal (p.Tyr21830*) in the TTN gene. While this is not anticipated to result in nonsense mediated decay, it is expected to create a truncated TTN protein. This variant is not present in population databases (gnomAD no frequency). This variant has not been reported in the literature in individuals affected with TTN-related conditions. This variant is located in the A band of TTN (PMID: 25589632). Truncating variants in this region are significantly overrepresented in patients affected with dilated cardiomyopathy (PMID: 25589632). Truncating variants in this region have also been reported in individuals affected with autosomal recessive centronuclear myopathy (PMID: 23975875). In summary, the currently available evidence indicates that the variant is pathogenic, but additional data are needed to prove that conclusively. Therefore, this variant has been classified as Likely Pathogenic.

Literature cited by the submitters: PubMed 25589632 (cited by Variantyx, Inc. and Labcorp Genetics (formerly Invitae), Labcorp); PubMed 23975875 (cited by Labcorp Genetics (formerly Invitae), Labcorp).

NM_001267550.2(TTN):c.65490T>G (p.Tyr21830Ter)

Genes: TTN (titin; minus strand), TTN-AS1 (TTN antisense RNA 1; plus strand). Cytogenetic location: 2q31.2.
Variant type: single nucleotide variant.
Coding change: c.65490T>G on transcript NM_001267550.2 (MANE Select); coding-DNA position 65490, T replaced by G.
Protein change: p.Tyr21830Ter; replaces tyrosine 21830 with a stop codon.
Molecular consequence: nonsense. On other transcripts: non-coding transcript variant (1).
Genome position (GRCh38, 1-based): chr2:178,583,692, A>C on the plus strand (T>G on the coding strand, the complement: TTN is on the minus strand). VCF-style: chr2-178583692-A-C. GRCh37 (hg19) VCF-style: chr2-179448419-A-C.
Other names: c.60567T>G, p.Tyr20189Ter (NM_001256850.1); c.38295T>G, p.Tyr12765Ter (NM_003319.4); c.57786T>G, p.Tyr19262Ter (NM_133378.4); c.38670T>G, p.Tyr12890Ter (NM_133432.3); c.38871T>G, p.Tyr12957Ter (NM_133437.4); short protein forms Y12765*, Y12890*, Y19262*, Y12957*, Y20189*, Y21830*.
Identifiers: ClinVar variation 4787072 (VCV004787072.2).